The following is an entry in ClinVar:

NM_004004.6(GJB2):c.245T>C (p.Ile82Thr)

Gene: GJB2 (gap junction protein beta 2; minus strand). Cytogenetic location: 13q12.11.
Variant type: single nucleotide variant.
Coding change: c.245T>C on transcript NM_004004.6 (MANE Select); coding-DNA position 245, T replaced by C.
Protein change: p.Ile82Thr; replaces isoleucine 82 with threonine.
Molecular consequence: missense variant.
Genome position (GRCh38, 1-based): chr13:20,189,337, A>G on the plus strand (T>C on the coding strand, the complement: GJB2 is on the minus strand). VCF-style: chr13-20189337-A-G. GRCh37 (hg19) VCF-style: chr13-20763476-A-G.
Other names: short protein forms I82T.
Identifiers: ClinVar variation 3385122 (VCV003385122.1).

ClinVar aggregate classification (germline): Uncertain significance (1 of 4 stars; one submission).

Submission:

Women's Health and Genetics/Laboratory Corporation of America, LabCorp
Classification: Uncertain significance. Last evaluated: 2024-10-23. Review status: criteria provided, single submitter. Criteria: LabCorp Variant Classification Summary - May 2015. Collection method: clinical testing. Allele origin: germline.
Comment: Variant summary: GJB2 c.245T>C (p.Ile82Thr) results in a non-conservative amino acid change located in the Connexin, N-terminal domain (IPR013092) of the encoded protein sequence. Five of five in-silico tools predict a damaging effect of the variant on protein function. The variant was absent in 251372 control chromosomes. The available data on variant occurrences in the general population are insufficient to allow any conclusion about variant significance. To our knowledge, no occurrence of c.245T>C in individuals affected with Non-Syndromic Hearing Loss and no experimental evidence demonstrating its impact on protein function have been reported. A different variant affecting the same codon has been classified as pathogenic by our lab (c.246C>G, p.Ile82Met), supporting the critical relevance of codon 82 to GJB2 protein function. No submitters have cited clinical-significance assessments for this variant to ClinVar. Based on the evidence outlined above, the variant was classified as uncertain significance.